The following is an entry in ClinVar:

NC_000001.11:g.(?_215837981)_(215838113_?)del

Gene: USH2A (usherin; minus strand). Cytogenetic location: 1q41.
Variant type: Deletion.
Identifiers: ClinVar variation 831310 (VCV000831310.1).

ClinVar aggregate classification (germline): Pathogenic (1 of 4 stars; one submission).

Submission:

Labcorp Genetics (formerly Invitae), Labcorp
Classification: Pathogenic. Last evaluated: 2019-06-24. Review status: criteria provided, single submitter. Criteria: Invitae Variant Classification Sherloc (09022015). Collection method: clinical testing. Allele origin: germline.
Comment: This variant is an out-of-frame deletion of the genomic region encompassing exon 47 of the USH2A gene. This is expected to create a premature translational stop signal and result in an absent or disrupted protein product. Similar deletions of exon 47 have been observed in individuals affected with Usher syndrome type 2 and retinitis pigmentosa (PMID: 22135276, 28041643). Loss-of-function variants in USH2A are known to be pathogenic (PMID: 10729113, 10909849, 20507924, 25649381). For these reasons, this variant has been classified as Pathogenic.

Literature cited by the submitters: PubMed 28041643; PubMed 22135276.